The following is an entry in ClinVar:

NM_018076.5(ODAD2):c.2731G>T (p.Asp911Tyr)

Gene: ODAD2 (outer dynein arm docking complex subunit 2; minus strand). Cytogenetic location: 10p12.1.
Variant type: single nucleotide variant.
Coding change: c.2731G>T on transcript NM_018076.5 (MANE Select); coding-DNA position 2731, G replaced by T.
Protein change: p.Asp911Tyr; replaces aspartic acid 911 with tyrosine.
Molecular consequence: missense variant.
Genome position (GRCh38, 1-based): chr10:27,862,502, C>A on the plus strand (G>T on the coding strand, the complement: ODAD2 is on the minus strand). VCF-style: chr10-27862502-C-A. GRCh37 (hg19) VCF-style: chr10-28151431-C-A.
Other names: c.2731G>T, p.Asp911Tyr (NM_001290020.2); c.1306G>T, p.Asp436Tyr (NM_001290021.2); c.1807G>T, p.Asp603Tyr (NM_001312689.2); short protein forms D603Y, D911Y, D436Y.
Identifiers: ClinVar variation 1918920 (VCV001918920.3), dbSNP rs2491964226, ClinGen allele CA376492546.

ClinVar aggregate classification (germline): Uncertain significance (1 of 4 stars; one submission).

Conditions:
Primary ciliary dyskinesia 23 (CILD23). Also called: CILIARY DYSKINESIA, PRIMARY, 23, WITH OR WITHOUT SITUS INVERSUS. Identifiers: Orphanet 244, MedGen C3809548, MONDO:0014193, OMIM 615451.

gnomAD v4.1: 6 of 1,612,722 alleles (0.00037%); highest among the groups gnomAD compares: Non-Finnish European, 0.00051%; no homozygotes.

Submission:

Labcorp Genetics (formerly Invitae), Labcorp
Classification: Uncertain significance for Primary ciliary dyskinesia 23. Last evaluated: 2021-11-30. Review status: criteria provided, single submitter. Criteria: Invitae Variant Classification Sherloc (09022015). Collection method: clinical testing. Allele origin: germline.
Comment: In summary, the available evidence is currently insufficient to determine the role of this variant in disease. Therefore, it has been classified as a Variant of Uncertain Significance. Algorithms developed to predict the effect of missense changes on protein structure and function are either unavailable or do not agree on the potential impact of this missense change (SIFT: "Deleterious"; PolyPhen-2: "Possibly Damaging"; Align-GVGD: "Class C15"). This variant has not been reported in the literature in individuals affected with ARMC4-related conditions. This variant is not present in population databases (gnomAD no frequency). This sequence change replaces aspartic acid, which is acidic and polar, with tyrosine, which is neutral and polar, at codon 911 of the ARMC4 protein (p.Asp911Tyr).